The following is an entry in ClinVar:

ClinVar aggregate classification (germline): Likely benign (1 of 4 stars; one submission).

Allele frequency attached by ClinVar (database versions not stated): TOPMed below 0.00001; gnomAD 0.00001; gnomAD exomes 0.00001; ExAC 0.00002.
gnomAD v4.1: 5 of 1,613,354 alleles (0.00031%); highest among the groups gnomAD compares: African/African-American, 0.0013%; no homozygotes.

Submission:

CeGaT Center for Human Genetics Tuebingen
Classification: Likely benign. Last evaluated: 2022-07-01. Review status: criteria provided, single submitter. Criteria: CeGaT Center For Human Genetics Tuebingen Variant Classification Criteria Version 2. Collection method: clinical testing. Allele origin: germline. Affected: yes. Observed: 1 variant allele.
Comment: POU6F2: BP4, BP7

NM_001370959.1(POU6F2):c.930A>G (p.Gly310=)

Gene: POU6F2 (POU class 6 homeobox 2; plus strand). Cytogenetic location: 7p14.1.
Variant type: single nucleotide variant.
Coding change: c.930A>G on transcript NM_001370959.1 (MANE Select); coding-DNA position 930, A replaced by G.
Protein change: p.Gly310=; no amino-acid change (glycine 310 retained).
Molecular consequence: synonymous variant.
Genome position (GRCh38, 1-based): chr7:39,339,973, A>G. VCF-style: chr7-39339973-A-G. GRCh37 (hg19) VCF-style: chr7-39379572-A-G.
Other names: c.843A>G, p.Gly281= (NM_001166018.2, NM_007252.4).
Identifiers: ClinVar variation 2657394 (VCV002657394.24), dbSNP rs771893971, ClinGen allele CA4227658.